The following is an entry in ClinVar:

ClinVar aggregate classification (germline): Uncertain significance. Review status: criteria provided, multiple submitters, no conflicts (2 of 4 stars). 2 submissions from 2 submitters: Uncertain significance (2). Last evaluated 2025-09-04.

Conditions:
Hereditary cancer-predisposing syndrome. Also called: Tumor predisposition; Neoplastic Syndromes, Hereditary; Hereditary neoplastic syndrome; Hereditary Cancer Syndrome. Identifiers: Orphanet 140162, MedGen C0027672, MeSH D009386, MONDO:0015356.

gnomAD v4.1: 2 of 1,614,150 alleles (0.00012%); highest among the groups gnomAD compares: Non-Finnish European, 0.000085%; no homozygotes.

Submissions (2):

Color Diagnostics, LLC DBA Color Health
Classification: Uncertain significance for Hereditary cancer-predisposing syndrome. Last evaluated: 2025-09-04. Review status: criteria provided, single submitter. Criteria: ACMG Guidelines, 2015. Collection method: clinical testing. Allele origin: germline.
Comment: This missense variant replaces alanine with aspartic acid at codon 423 of the PMS2 protein. Computational prediction suggests that this variant may not impact protein structure and function. To our knowledge, functional studies have not been reported for this variant. This variant has not been reported in individuals affected with PMS2-related disorders in the literature. This variant has been identified in 1/251004 chromosomes in the general population by the Genome Aggregation Database (gnomAD). The available evidence is insufficient to determine the role of this variant in disease conclusively. Therefore, this variant is classified as a Variant of Uncertain Significance.

Ambry Genetics
Classification: Uncertain significance for Hereditary cancer-predisposing syndrome. Last evaluated: 2025-03-18. Review status: criteria provided, single submitter. Criteria: Ambry Variant Classification Scheme 2023. Collection method: clinical testing. Allele origin: germline.
Comment: The p.A423D variant (also known as c.1268C>A), located in coding exon 11 of the PMS2 gene, results from a C to A substitution at nucleotide position 1268. The alanine at codon 423 is replaced by aspartic acid, an amino acid with dissimilar properties. This amino acid position is well conserved in available vertebrate species. In addition, the in silico prediction for this alteration is inconclusive. Based on the available evidence, the clinical significance of this variant remains unclear.

NM_000535.7(PMS2):c.1268C>A (p.Ala423Asp)

Gene: PMS2 (PMS1 homolog 2, mismatch repair system component; minus strand). Cytogenetic location: 7p22.1.
Variant type: single nucleotide variant.
Coding change: c.1268C>A on transcript NM_000535.7 (MANE Select); coding-DNA position 1268, C replaced by A.
Protein change: p.Ala423Asp; replaces alanine 423 with aspartic acid.
Molecular consequence: missense variant. On other transcripts: non-coding transcript variant (1).
Genome position (GRCh38, 1-based): chr7:5,987,497, G>T on the plus strand (C>A on the coding strand, the complement: PMS2 is on the minus strand). VCF-style: chr7-5987497-G-T. GRCh37 (hg19) VCF-style: chr7-6027128-G-T.
Other names: c.863C>A, p.Ala288Asp (NM_001322003.2, NM_001322004.2, NM_001322005.2 and 1 more transcripts); c.1112C>A, p.Ala371Asp (NM_001322006.2); c.950C>A, p.Ala317Asp (NM_001322007.2, NM_001322008.2); c.707C>A, p.Ala236Asp (NM_001322010.2); c.335C>A, p.Ala112Asp (NM_001322011.2, NM_001322012.2); c.695C>A, p.Ala232Asp (NM_001322013.2); c.1268C>A, p.Ala423Asp (NM_001322014.2); c.959C>A, p.Ala320Asp (NM_001322015.2); and 1 more; short protein forms A423D, A317D, A236D, A288D, A112D, A232D, A320D, A371D.
Identifiers: ClinVar variation 631290 (VCV000631290.7), dbSNP rs756883400, ClinGen allele CA366742448.